The following is an entry in ClinVar:

NM_015443.4(KANSL1):c.2159G>A (p.Arg720His)

Gene: KANSL1 (KAT8 regulatory NSL complex subunit 1). Cytogenetic location: 17q21.31.
Variant type: single nucleotide variant.
Coding change: c.2159G>A on transcript NM_015443.4 (MANE Select); coding-DNA position 2159, G replaced by A.
Protein change: p.Arg720His; replaces arginine 720 with histidine.
Molecular consequence: missense variant.
Genome position (GRCh38, 1-based): chr17:46,039,746, C>T on the plus strand (G>A on the coding strand, the complement: KANSL1 is on the minus strand). VCF-style: chr17-46039746-C-T. GRCh37 (hg19) VCF-style: chr17-44117112-C-T.
Other names: p.R720H:CGT>CAT; c.2159G>A, p.Arg720His (NM_001193465.2, NM_001193466.2, NM_001379198.1); short protein forms R720H.
Identifiers: ClinVar variation 205794 (VCV000205794.28), dbSNP rs148825937, ClinGen allele CA315216.
Genomic context (GRCh38, chr17:46,039,746, plus strand): 5'-GCTCCCTGACACTTACTGGCTGTTGTTAGGAAGGAGCTGACCAATTTGTGCCTGTCCTTA[C>T]GAGCTGAATCTGGCAGACTGCCCGGCATGGGTGCTCTGTGCTTAAGCGATAACTTTTTGG-3'
Protein context (NP_056258.1, residues 710-730): PMPGSLPDSA[Arg720His]KDRHKLVSSF

ClinVar aggregate classification (germline): Benign/Likely benign. Review status: criteria provided, multiple submitters, no conflicts (2 of 4 stars). 4 submissions from 4 submitters: Benign (2); Likely benign (2). Last evaluated 2026-01-28.

Conditions:
Koolen-de Vries syndrome (KDVS). Identifiers: Orphanet 96169, MedGen C1864871, MONDO:0012496, OMIM 610443.
Inborn genetic diseases. Identifiers: MedGen C0950123, MeSH D030342.

Allele frequency attached by ClinVar (database versions not stated): ESP Exome Variant Server 0.00008; ExAC 0.00015; gnomAD exomes 0.00020 and 0.00034; gnomAD 0.00023 and 0.00026; TOPMed 0.00023.
gnomAD v4.1: 518 of 1,614,044 alleles (0.032%); highest among the groups gnomAD compares: Non-Finnish European, 0.042%; no homozygotes.

Submissions (4):

Labcorp Genetics (formerly Invitae), Labcorp
Classification: Benign for Koolen-de Vries syndrome. Last evaluated: 2026-01-28. Review status: criteria provided, single submitter. Criteria: Invitae Variant Classification Sherloc (09022015). Collection method: clinical testing. Allele origin: germline.

CeGaT Center for Human Genetics Tuebingen
Classification: Likely benign. Last evaluated: 2024-12-01. Review status: criteria provided, single submitter. Criteria: CeGaT Center For Human Genetics Tuebingen Variant Classification Criteria Version 2. Collection method: clinical testing. Allele origin: germline. Affected: yes. Observed: 1 variant allele.
Comment: KANSL1: BP4, BS2

Ambry Genetics
Classification: Likely benign for Inborn genetic diseases. Last evaluated: 2021-08-09. Review status: criteria provided, single submitter. Criteria: Ambry Variant Classification Scheme 2023. Collection method: clinical testing. Allele origin: germline.

GeneDx
Classification: Benign. Last evaluated: 2019-02-26. Review status: criteria provided, single submitter. Criteria: GeneDx Variant Classification Process June 2021. Collection method: clinical testing. Allele origin: germline. Affected: yes.